The following is an entry in ClinVar:

NM_000081.4(LYST):c.5531A>G (p.Tyr1844Cys)

Gene: LYST (lysosomal trafficking regulator; minus strand). Cytogenetic location: 1q42.3.
Variant type: single nucleotide variant.
Coding change: c.5531A>G on transcript NM_000081.4 (MANE Select); coding-DNA position 5531, A replaced by G.
Protein change: p.Tyr1844Cys; replaces tyrosine 1844 with cysteine.
Molecular consequence: missense variant.
Genome position (GRCh38, 1-based): chr1:235,775,016, T>C on the plus strand (A>G on the coding strand, the complement: LYST is on the minus strand). VCF-style: chr1-235775016-T-C. GRCh37 (hg19) VCF-style: chr1-235938316-T-C.
Other names: c.5531A>G, p.Tyr1844Cys (NM_001301365.1); short protein forms Y1844C.
Identifiers: ClinVar variation 3046729 (VCV003046729.2), dbSNP rs2527972851, ClinGen allele CA344951544.

ClinVar aggregate classification (germline): Uncertain significance (0 of 4 stars; one submission).

Conditions:
LYST-related disorder. Also called: LYST-related condition.

Submission:

PreventionGenetics, part of Exact Sciences
Classification: Uncertain significance for LYST-related condition. Last evaluated: 2023-12-15. Review status: no assertion criteria provided. Collection method: clinical testing. Allele origin: germline.
Comment: The LYST c.5531A>G variant is predicted to result in the amino acid substitution p.Tyr1844Cys. To our knowledge, this variant has not been reported in the literature or in a large population database, indicating this variant is rare. At this time, the clinical significance of this variant is uncertain due to the absence of conclusive functional and genetic evidence.